The following is an entry in ClinVar:

ClinVar aggregate classification (germline): Likely benign (1 of 4 stars; one submission).

Allele frequency attached by ClinVar (database versions not stated): 1000 Genomes Project 30x 0.00094; 1000 Genomes Project 0.00100; ExAC 0.00113; gnomAD 0.00277; TOPMed 0.00329.
gnomAD v4.1: 6,692 of 1,481,200 alleles (0.45%); highest among the groups gnomAD compares: Middle Eastern, 0.58%; 17 homozygotes.

Submission:

CeGaT Center for Human Genetics Tuebingen
Classification: Likely benign. Last evaluated: 2022-12-01. Review status: criteria provided, single submitter. Criteria: CeGaT Center For Human Genetics Tuebingen Variant Classification Criteria Version 2. Collection method: clinical testing. Allele origin: germline. Affected: yes. Observed: 2 variant alleles.
Comment: AP5B1: BP4, BP7, BS2

NM_138368.5(AP5B1):c.357G>A (p.Arg119=)

Gene: AP5B1 (adaptor related protein complex 5 subunit beta 1; minus strand). Cytogenetic location: 11q13.1.
Variant type: single nucleotide variant.
Coding change: c.357G>A on transcript NM_138368.5 (MANE Select); coding-DNA position 357, G replaced by A.
Protein change: p.Arg119=; no amino-acid change (arginine 119 retained).
Molecular consequence: synonymous variant.
Genome position (GRCh38, 1-based): chr11:65,780,136, C>T on the plus strand (G>A on the coding strand, the complement: AP5B1 is on the minus strand). VCF-style: chr11-65780136-C-T. GRCh37 (hg19) VCF-style: chr11-65547607-C-T.
Identifiers: ClinVar variation 2641971 (VCV002641971.24), dbSNP rs193141152, ClinGen allele CA6108456.